The following is an entry in ClinVar:

ClinVar aggregate classification (germline): Pathogenic/Likely pathogenic. Review status: criteria provided, multiple submitters, no conflicts (2 of 4 stars). 6 submissions from 6 submitters: Pathogenic (2); Likely pathogenic (3). 1 of the submissions does not count toward it. Last evaluated 2024-11-01.

Conditions:
Walker-Warburg congenital muscular dystrophy. Also called: Muscular dystrophy-dystroglycanopathy, type A; Walker-Warburg syndrome. Identifiers: Orphanet 899, MedGen C0265221, MONDO:0000171.
Autosomal recessive limb-girdle muscular dystrophy type 2I. Also called: MUSCULAR DYSTROPHY, LIMB-GIRDLE, TYPE 2I; MUSCULAR DYSTROPHY-DYSTROGLYCANOPATHY (LIMB-GIRDLE), TYPE C, 5; MUSCULAR DYSTROPHY-DYSTROGLYCANOPATHY, LIMB-GIRDLE, FRKP-RELATED. Identifiers: Orphanet 34515, MedGen C1846672, MONDO:0011787, OMIM 607155.
Muscular dystrophy-dystroglycanopathy (congenital with brain and eye anomalies), type A5. Also called: MUSCULAR DYSTROPHY-DYSTROGLYCANOPATHY (CONGENITAL WITH BRAIN AND EYE ANOMALIES), TYPE A, 5; WALKER-WARBURG SYNDROME OR MUSCLE-EYE-BRAIN DISEASE, FKRP-RELATED. Identifiers: Orphanet 588, Orphanet 899, MedGen C3150413, MONDO:0013157, OMIM 613153.

Allele frequency attached by ClinVar (database versions not stated): TOPMed below 0.00001; gnomAD exomes 0.00002.

Submissions (6):

Mayo Clinic Laboratories, Mayo Clinic
Classification: Pathogenic. Last evaluated: 2024-11-01. Review status: criteria provided, single submitter. Criteria: ACMG Guidelines, 2015. Collection method: clinical testing. Allele origin: germline. Observed: 1 variant allele.
Comment: PP2, PP3, PP4, PM2_supporting, PM3_strong, PM5, PS4

Natera, Inc.
Classification: Likely pathogenic for Limb-girdle muscular dystrophy type 2I. Last evaluated: 2024-10-28. Review status: criteria provided, single submitter. Criteria: Natera Variant Classification Schema (03/2026). Collection method: clinical testing. Allele origin: germline.
Comment: The c.823C>T variant in FKRP is a missense variant predicted to cause substitution of arginine to cysteine at amino acid 275. This variant is rare in the general population with a frequency below the threshold expected for the associated phenotype(s). This variant has been observed in one or more individuals affected with the associated recessive disease, as either homozygous or compound heterozygous with a second variant (PMID: 30293248, 17055682, 23800702). Computational prediction algorithms indicate this variant is likely to affect gene or protein function. Given the available evidence, this variant is classified as Likely Pathogenic.

Labcorp Genetics (formerly Invitae), Labcorp
Classification: Pathogenic for Walker-Warburg congenital muscular dystrophy. Last evaluated: 2024-02-20. Review status: criteria provided, single submitter. Criteria: Invitae Variant Classification Sherloc (09022015). Collection method: clinical testing. Allele origin: germline.
Comment: This sequence change replaces arginine, which is basic and polar, with cysteine, which is neutral and slightly polar, at codon 275 of the FKRP protein (p.Arg275Cys). The frequency data for this variant in the population databases is considered unreliable, as metrics indicate poor data quality at this position in the gnomAD database. This missense change has been observed in individual(s) with limb-girdle muscular dystrophy (PMID: 17055682, 23800702, 30293248, 30816495, 34602496; Invitae). In at least one individual the data is consistent with being in trans (on the opposite chromosome) from a pathogenic variant. ClinVar contains an entry for this variant (Variation ID: 498269). Advanced modeling of protein sequence and biophysical properties (such as structural, functional, and spatial information, amino acid conservation, physicochemical variation, residue mobility, and thermodynamic stability) has been performed at Invitae for this missense variant, however the output from this modeling did not meet the statistical confidence thresholds required to predict the impact of this variant on FKRP protein function. This variant disrupts the p.Arg275 amino acid residue in FKRP. Other variant(s) that disrupt this residue have been observed in individuals with FKRP-related conditions (PMID: 17055682, 17351538, 19917824, 23800702), which suggests that this may be a clinically significant amino acid residue. For these reasons, this variant has been classified as Pathogenic.

Baylor Genetics
Classification: Likely pathogenic for Muscular dystrophy-dystroglycanopathy (congenital with brain and eye anomalies), type A5. Last evaluated: 2024-01-16. Review status: criteria provided, single submitter. Criteria: ACMG Guidelines, 2015. Collection method: clinical testing. Allele origin: unknown.

Eurofins Ntd Llc (ga)
Classification: Likely pathogenic. Last evaluated: 2016-11-02. Review status: criteria provided, single submitter. Criteria: EGL Classification Definitions 2015. Collection method: clinical testing. Allele origin: germline. Observed: 1 variant allele, 1 homozygote.

Counsyl
Classification: Uncertain significance for Autosomal recessive limb-girdle muscular dystrophy type 2I. Last evaluated: 2018-05-30. Review status: no assertion criteria provided. Collection method: clinical testing. Allele origin: unknown. Not counted in ClinVar's aggregate classification.

Literature cited by the submitters: PubMed 17055682 (cited by 4 submitters); PubMed 19917824 (cited by Mayo Clinic Laboratories, Mayo Clinic and Labcorp Genetics (formerly Invitae), Labcorp); PubMed 30293248 (cited by 3 submitters); PubMed 30816495 (cited by Mayo Clinic Laboratories, Mayo Clinic and Labcorp Genetics (formerly Invitae), Labcorp); PubMed 32576226 (cited by Mayo Clinic Laboratories, Mayo Clinic); PubMed 34602496 (cited by Mayo Clinic Laboratories, Mayo Clinic and Labcorp Genetics (formerly Invitae), Labcorp); PubMed 23800702 (cited by 3 submitters); PubMed 17351538 (cited by Labcorp Genetics (formerly Invitae), Labcorp).

NM_024301.5(FKRP):c.823C>T (p.Arg275Cys)

Gene: FKRP (fukutin related protein; plus strand). Cytogenetic location: 19q13.32.
Variant type: single nucleotide variant.
Coding change: c.823C>T on transcript NM_024301.5 (MANE Select); coding-DNA position 823, C replaced by T.
Protein change: p.Arg275Cys; replaces arginine 275 with cysteine.
Molecular consequence: missense variant.
Genome position (GRCh38, 1-based): chr19:46,756,273, C>T. VCF-style: chr19-46756273-C-T. GRCh37 (hg19) VCF-style: chr19-47259530-C-T.
Other names: p.Arg275Cys; c.823C>T, p.Arg275Cys (NM_001039885.3); short protein forms R275C.
Identifiers: ClinVar variation 498269 (VCV000498269.22), dbSNP rs1247934219, ClinGen allele CA406496081.